The following is an entry in ClinVar:

NM_016151.4(TAOK2):c.3643C>T (p.Pro1215Ser)

Gene: TAOK2 (TAO kinase 2; plus strand). Cytogenetic location: 16p11.2.
Variant type: single nucleotide variant.
Coding change: c.3643C>T on transcript NM_016151.4 (MANE Select); coding-DNA position 3643, C replaced by T.
Protein change: p.Pro1215Ser; replaces proline 1215 with serine.
Molecular consequence: missense variant. On other transcripts: intron variant (1).
Genome position (GRCh38, 1-based): chr16:29,987,915, C>T. VCF-style: chr16-29987915-C-T. GRCh37 (hg19) VCF-style: chr16-29999236-C-T.
Other names: c.3304C>T, p.Pro1102Ser (NM_001252043.2); c.2232+1411C>T (NM_004783.4); short protein forms P1215S, P1102S.
Identifiers: ClinVar variation 1047135 (VCV001047135.8), dbSNP rs2069864656, ClinGen allele CA395502387.

ClinVar aggregate classification (germline): Uncertain significance (1 of 4 stars; one submission).

Submission:

Labcorp Genetics (formerly Invitae), Labcorp
Classification: Uncertain significance. Last evaluated: 2022-02-03. Review status: criteria provided, single submitter. Criteria: Invitae Variant Classification Sherloc (09022015). Collection method: clinical testing. Allele origin: germline.
Comment: This sequence change replaces proline, which is neutral and non-polar, with serine, which is neutral and polar, at codon 1215 of the TAOK2 protein (p.Pro1215Ser). This variant is not present in population databases (gnomAD no frequency). This variant has not been reported in the literature in individuals affected with TAOK2-related conditions. ClinVar contains an entry for this variant (Variation ID: 1047135). Algorithms developed to predict the effect of missense changes on protein structure and function output the following: SIFT: "Tolerated"; PolyPhen-2: "Benign"; Align-GVGD: "Class C0". The serine amino acid residue is found in multiple mammalian species, which suggests that this missense change does not adversely affect protein function. In summary, the available evidence is currently insufficient to determine the role of this variant in disease. Therefore, it has been classified as a Variant of Uncertain Significance.